The following is an entry in ClinVar:

NM_024640.4(YRDC):c.357C>T (p.Ala119=)

Genes: C1orf122 (chromosome 1 open reading frame 122; plus strand), YRDC (yrdC N6-threonylcarbamoyltransferase domain containing; minus strand). Cytogenetic location: 1p34.3.
Variant type: single nucleotide variant.
Coding change: c.357C>T on transcript NM_024640.4 (MANE Select); coding-DNA position 357, C replaced by T.
Protein change: p.Ala119=; no amino-acid change (alanine 119 retained).
Molecular consequence: synonymous variant. On other transcripts: 5 prime UTR variant (2).
Genome position (GRCh38, 1-based): chr1:37,807,824, G>A on the plus strand (C>T on the coding strand, the complement: YRDC is on the minus strand). VCF-style: chr1-37807824-G-A. GRCh37 (hg19) VCF-style: chr1-38273496-G-A.
Other names: c.-637G>A (NM_001142726.2); c.-581G>A (NM_198446.3).
Identifiers: ClinVar variation 2874526 (VCV002874526.5), dbSNP rs143181596, ClinGen allele CA20851735.

ClinVar aggregate classification (germline): Likely benign. Review status: criteria provided, single submitter (1 of 4 stars). 2 submissions from 2 submitters: Likely benign (1). 1 of the submissions does not count toward it. Last evaluated 2023-04-16.

Conditions:
YRDC-related disorder. Also called: YRDC-related condition.

Allele frequency attached by ClinVar (database versions not stated): 1000 Genomes Project 30x 0.00016; 1000 Genomes Project 0.00020.
gnomAD v4.1: 70 of 1,511,374 alleles (0.0046%); highest among the groups gnomAD compares: South Asian, 0.0084%; no homozygotes.

Submissions (2):

Labcorp Genetics (formerly Invitae), Labcorp
Classification: Likely benign. Last evaluated: 2023-04-16. Review status: criteria provided, single submitter. Criteria: Invitae Variant Classification Sherloc (09022015). Collection method: clinical testing. Allele origin: germline.

PreventionGenetics, part of Exact Sciences
Classification: Likely benign for YRDC-related condition. Last evaluated: 2023-03-08. Review status: no assertion criteria provided. Collection method: clinical testing. Allele origin: germline. Not counted in ClinVar's aggregate classification.
Comment: This variant is classified as likely benign based on ACMG/AMP sequence variant interpretation guidelines (Richards et al. 2015 PMID: 25741868, with internal and published modifications).